The following is an entry in ClinVar:

ClinVar aggregate classification (germline): Uncertain significance. Review status: criteria provided, multiple submitters, no conflicts (2 of 4 stars). 7 submissions from 6 submitters: Uncertain significance (7). Last evaluated 2024-12-19.

Conditions:
Adams-Oliver syndrome 5 (AOS5). Identifiers: Orphanet 974, MedGen C4014970, MONDO:0014459, OMIM 616028.
Familial thoracic aortic aneurysm and aortic dissection (TAAD). Also called: Thoracic aortic aneurysms and dissections. Identifiers: Orphanet 91387, MedGen C4707243, MONDO:0019625.
Aortic valve disease 1 (AOVD1). Identifiers: MedGen C3887892, MONDO:0024523, OMIM 109730.

Allele frequency attached by ClinVar (database versions not stated): TOPMed 0.00001; ExAC 0.00002.

Submissions (7):

ARUP Laboratories, Molecular Genetics and Genomics, ARUP Laboratories
Classification: Uncertain significance. Last evaluated: 2024-12-19. Review status: criteria provided, single submitter. Criteria: ARUP Molecular Germline Variant Investigation Process 2024. Collection method: clinical testing. Allele origin: germline.
Comment: The NOTCH1 c.335G>A; p.Arg112His variant (rs768625801), to our knowledge, is not reported in the medical literature but is reported in ClinVar (Variation ID: 449741). This variant is only observed on one allele in the Genome Aggregation Database(v2.1.1), indicating it is not a common polymorphism, but is considered a low confidence variant in the database. Computational analyses are uncertain whether this variant is neutral or deleterious (REVEL: 0.176). Due to limited information, the clinical significance of this variant is uncertain at this time.

Labcorp Genetics (formerly Invitae), Labcorp
Classification: Uncertain significance for Adams-Oliver syndrome 5. Last evaluated: 2023-10-22. Review status: criteria provided, single submitter. Criteria: Invitae Variant Classification Sherloc (09022015). Collection method: clinical testing. Allele origin: germline.
Comment: This sequence change replaces arginine, which is basic and polar, with histidine, which is basic and polar, at codon 112 of the NOTCH1 protein (p.Arg112His). The frequency data for this variant in the population databases is considered unreliable, as metrics indicate poor data quality at this position in the gnomAD database. This variant has not been reported in the literature in individuals affected with NOTCH1-related conditions. ClinVar contains an entry for this variant (Variation ID: 449741). Advanced modeling of protein sequence and biophysical properties (such as structural, functional, and spatial information, amino acid conservation, physicochemical variation, residue mobility, and thermodynamic stability) performed at Invitae indicates that this missense variant is not expected to disrupt NOTCH1 protein function. In summary, the available evidence is currently insufficient to determine the role of this variant in disease. Therefore, it has been classified as a Variant of Uncertain Significance.

Genome-Nilou Lab
Classification: Uncertain significance for Adams-Oliver syndrome 5. Last evaluated: 2022-03-15. Review status: criteria provided, single submitter. Criteria: ACMG Guidelines, 2015. Collection method: clinical testing. Allele origin: germline. Affected: no.

Genome-Nilou Lab
Classification: Uncertain significance for Aortic valve disease 1. Last evaluated: 2022-03-15. Review status: criteria provided, single submitter. Criteria: ACMG Guidelines, 2015. Collection method: clinical testing. Allele origin: germline. Affected: no.

Ambry Genetics
Classification: Uncertain significance for Familial thoracic aortic aneurysm and aortic dissection. Last evaluated: 2021-08-23. Review status: criteria provided, single submitter. Criteria: Ambry Variant Classification Scheme 2023. Collection method: clinical testing. Allele origin: germline.
Comment: The p.R112H variant (also known as c.335G>A), located in coding exon 3 of the NOTCH1 gene, results from a G to A substitution at nucleotide position 335. The arginine at codon 112 is replaced by histidine, an amino acid with highly similar properties. This amino acid position is not well conserved in available vertebrate species. In addition, this alteration is predicted to be tolerated by in silico analysis. Since supporting evidence is limited at this time, the clinical significance of this alteration remains unclear.

Centre for Mendelian Genomics, University Medical Centre Ljubljana
Classification: Uncertain significance for Aortic valve disease 1. Last evaluated: 2019-05-07. Review status: criteria provided, single submitter. Criteria: ACMG Guidelines, 2015. Collection method: clinical testing. Allele origin: unknown. Affected: yes.
Comment: This variant was classified as: Uncertain significance. The available evidence on this variant's pathogenicity is insufficient or conflicting.

GeneDx
Classification: Uncertain significance. Last evaluated: 2017-09-13. Review status: criteria provided, single submitter. Criteria: GeneDx Variant Classification (06012015). Collection method: clinical testing. Allele origin: germline. Affected: yes.
Comment: A variant of uncertain significance has been identified in the NOTCH1 gene. The R112H variant has not been published as pathogenic or been reported as benign to our knowledge. This variant is also not observed at a significant frequency in large population cohorts (Lek et al., 2016; 1000 Genomes Consortium et al., 2015; Exome Variant Server). However, R112H is a conservative amino acid substitution, which is not likely to impact secondary protein structure as these residues share similar properties. Additionally, this substitution occurs at a position that is not conserved across species and histidine (H) is the wild-type residue at this position in at least one non-mammalian species. Lastly, in silico analysis is inconsistent in its predictions as to whether or not the variant is damaging to the protein structure/function.

NM_017617.5(NOTCH1):c.335G>A (p.Arg112His)

Gene: NOTCH1 (notch receptor 1; minus strand). Cytogenetic location: 9q34.3.
Variant type: single nucleotide variant.
Coding change: c.335G>A on transcript NM_017617.5 (MANE Select); coding-DNA position 335, G replaced by A.
Protein change: p.Arg112His; replaces arginine 112 with histidine.
Molecular consequence: missense variant.
Genome position (GRCh38, 1-based): chr9:136,523,785, C>T on the plus strand (G>A on the coding strand, the complement: NOTCH1 is on the minus strand). VCF-style: chr9-136523785-C-T. GRCh37 (hg19) VCF-style: chr9-139418237-C-T.
Other names: c.335G>A, p.Arg112His (LRG_1122t1); short protein forms R112H.
Identifiers: ClinVar variation 449741 (VCV000449741.16), dbSNP rs768625801, ClinGen allele CA5342204.
Genomic context (GRCh38, chr9:136,523,785, plus strand): 5'-CCGGGCGGGCAGCGGCACTTGTACTCCGTCAGCGTGAGCAGGTCGCAGGTGCCCCCGTTG[C>T]GGCAGGGGTTGGTGAGGCAGGCATTGTCCAGGGGTGTCAGGCAGAGGGGCCCAGAGAAGC-3'
Protein context (NP_060087.3, residues 102-122): LDNACLTNPC[Arg112His]NGGTCDLLTL